The following is an entry in ClinVar:

NM_017999.5(RNF31):c.1390C>T (p.Arg464Cys)

Gene: RNF31 (ring finger protein 31; plus strand). Cytogenetic location: 14q12.
Variant type: single nucleotide variant.
Coding change: c.1390C>T on transcript NM_017999.5 (MANE Select); coding-DNA position 1390, C replaced by T.
Protein change: p.Arg464Cys; replaces arginine 464 with cysteine.
Molecular consequence: missense variant.
Genome position (GRCh38, 1-based): chr14:24,150,790, C>T. VCF-style: chr14-24150790-C-T. GRCh37 (hg19) VCF-style: chr14-24619999-C-T.
Other names: c.937C>T, p.Arg313Cys (NM_001310332.2); c.1390C>T (NM_017999.4); short protein forms R313C, R464C.
Identifiers: ClinVar variation 1369317 (VCV001369317.10), dbSNP rs187811103, ClinGen allele CA7125757.

ClinVar aggregate classification (germline): Conflicting classifications of pathogenicity. Review status: criteria provided, conflicting classifications (1 of 4 stars). 3 submissions from 3 submitters: Uncertain significance (2); Likely benign (1). Last evaluated 2025-10-08.

Allele frequency attached by ClinVar (database versions not stated): gnomAD exomes 0.00005 and 0.00011; ExAC 0.00006; TOPMed 0.00006; gnomAD 0.00009; 1000 Genomes Project 30x 0.00016; ESP Exome Variant Server 0.00017; 1000 Genomes Project 0.00020.
gnomAD v4.1: 176 of 1,608,972 alleles (0.011%); highest among the groups gnomAD compares: Non-Finnish European, 0.013%; no homozygotes.

Submissions (3):

Labcorp Genetics (formerly Invitae), Labcorp
Classification: Uncertain significance. Last evaluated: 2025-10-08. Review status: criteria provided, single submitter. Criteria: Invitae Variant Classification Sherloc (09022015). Collection method: clinical testing. Allele origin: germline.
Comment: This sequence change replaces arginine, which is basic and polar, with cysteine, which is neutral and slightly polar, at codon 464 of the RNF31 protein (p.Arg464Cys). This variant is present in population databases (rs187811103, gnomAD 0.01%). This variant has not been reported in the literature in individuals affected with RNF31-related conditions. ClinVar contains an entry for this variant (Variation ID: 1369317). An algorithm developed to predict the effect of missense changes on protein structure and function outputs the following: PolyPhen-2: "Benign". The cysteine amino acid residue is found in multiple mammalian species, which suggests that this missense change does not adversely affect protein function. In summary, the available evidence is currently insufficient to determine the role of this variant in disease. Therefore, it has been classified as a Variant of Uncertain Significance.

Ambry Genetics
Classification: Uncertain significance. Last evaluated: 2023-12-08. Review status: criteria provided, single submitter. Criteria: Ambry Variant Classification Scheme 2023. Collection method: clinical testing. Allele origin: germline.

Blueprint Genetics
Classification: Likely benign. Last evaluated: 2023-03-15. Review status: criteria provided, single submitter. Criteria: ACMG Guidelines, 2015. Collection method: clinical testing. Allele origin: germline.